The following is an entry in ClinVar:

NM_182493.3(MYLK3):c.1233_1234del (p.Val412fs)

Gene: MYLK3 (myosin light chain kinase 3; minus strand). Cytogenetic location: 16q11.2.
Variant type: Deletion.
Coding change: c.1233_1234del on transcript NM_182493.3 (MANE Select); coding-DNA positions 1233 to 1234, 2 bases deleted (AG; older notation c.1233_1234delAG).
Protein change: p.Val412fs; shifts the reading frame from valine 412.
Molecular consequence: frameshift variant.
Genome position (GRCh38, 1-based): chr16:46,732,436-46,732,437, CT deleted on the plus strand (AG on the coding strand, the reverse complement: MYLK3 is on the minus strand); deleting any 2 consecutive bases within chr16:46,732,436-46,732,438 gives the same sequence; the c. name uses the placement nearest the transcript's 3' end. VCF-style (leftmost placement, unchanged base first): chr16-46732435-ACT-A. GRCh37 (hg19) VCF-style: chr16-46766347-ACT-A.
Other names: c.210_211del, p.Val71fs (NM_001308301.1); short protein forms V71fs, V412fs.
Identifiers: ClinVar variation 2046029 (VCV002046029.4), dbSNP rs2548905967, ClinGen allele CA2580091552.

ClinVar aggregate classification (germline): Uncertain significance (1 of 4 stars; one submission).

Submission:

Labcorp Genetics (formerly Invitae), Labcorp
Classification: Uncertain significance. Last evaluated: 2022-05-05. Review status: criteria provided, single submitter. Criteria: Invitae Variant Classification Sherloc (09022015). Collection method: clinical testing. Allele origin: germline.
Comment: In summary, the available evidence is currently insufficient to determine the role of this variant in disease. Therefore, it has been classified as a Variant of Uncertain Significance. This variant has not been reported in the literature in individuals affected with MYLK3-related conditions. This variant is not present in population databases (gnomAD no frequency). This sequence change creates a premature translational stop signal (p.Val412Glufs*22) in the MYLK3 gene. It is expected to result in an absent or disrupted protein product. However, the current clinical and genetic evidence is not sufficient to establish whether loss-of-function variants in MYLK3 cause disease.